The following is an entry in ClinVar:

NM_001365276.2(TNXB):c.7906A>G (p.Met2636Val)

Gene: TNXB (tenascin XB; minus strand). Cytogenetic location: 6p21.33.
Variant type: single nucleotide variant.
Coding change: c.7906A>G on transcript NM_001365276.2 (MANE Select); coding-DNA position 7906, A replaced by G.
Protein change: p.Met2636Val; replaces methionine 2636 with valine.
Molecular consequence: missense variant.
Genome position (GRCh38, 1-based): chr6:32,056,823, T>C on the plus strand (A>G on the coding strand, the complement: TNXB is on the minus strand). VCF-style: chr6-32056823-T-C. GRCh37 (hg19) VCF-style: chr6-32024600-T-C.
Other names: p.Met2636Val; c.7906A>G, p.Met2636Val (NM_019105.8); short protein forms M2636V.
Identifiers: ClinVar variation 1186026 (VCV001186026.39), dbSNP rs369180703, ClinGen allele CA3734009.
Genomic context (GRCh38, chr6:32,056,823, plus strand): 5'-CAAACTGGCCCTCGGGAACCGTCCAGGACAGGCTGAGGGAGTCAGGGGTGGCATCTGTCA[T>C]GGTCAGCTCCCCCAGGCGAGGCTTGATGGGGGGCTCAGGGGTCATGGTAGGCACTGCTTG-3'
Protein context (NP_001352205.1, residues 2626-2646): PIKPRLGELT[Met2636Val]TDATPDSLSL

ClinVar aggregate classification (germline): Benign/Likely benign. Review status: criteria provided, multiple submitters, no conflicts (2 of 4 stars). 11 submissions from 11 submitters: Benign (2); Likely benign (6). 3 of the submissions do not count toward it. Last evaluated 2026-06-29.

Conditions:
TNXB-related disorder. Also called: TNXB-related condition.
Cardiovascular phenotype. Identifiers: MedGen CN230736.
Ehlers-Danlos syndrome (EDS). Identifiers: Orphanet 98249, MedGen C0013720, MONDO:0020066.

Allele frequency attached by ClinVar (database versions not stated): 1000 Genomes Project 30x 0.00016; gnomAD exomes 0.00016 and 0.00028; gnomAD 0.00019 and 0.00021; 1000 Genomes Project 0.00020; ExAC 0.00023; TOPMed 0.00051.
gnomAD v4.1: 579 of 1,612,930 alleles (0.036%); highest among the groups gnomAD compares: East Asian, 0.19%; 41 homozygotes.

Submissions (11):

Women's Health and Genetics/Laboratory Corporation of America, LabCorp
Classification: Likely benign. Last evaluated: 2026-06-29. Review status: criteria provided, single submitter. Criteria: LabCorp Variant Classification Summary - May 2015. Collection method: clinical testing. Allele origin: germline.
Comment: Variant summary: TNXB c.7906A>G (p.Met2636Val) results in a conservative amino acid change in the encoded protein sequence. Algorithms developed to predict the effect of missense changes on protein structure and function all suggest that this variant is likely to be tolerated. The variant allele was found at a frequency of 0.00028 in 246860 control chromosomes, predominantly at a frequency of 0.002 within the East Asian subpopulation in the gnomAD database, including 5 homozygotes. The observed variant frequency within East Asian control individuals in the gnomAD database exceeds the estimated maximal expected allele frequency for disease-causing variants in TNXB. To our knowledge, no occurrence of c.7906A>G in individuals affected with TNXB-related conditions and no experimental evidence demonstrating its impact on protein function have been reported. ClinVar contains an entry for this variant (Variation ID: 1186026). Based on the evidence outlined above, the variant was classified as likely benign.

Labcorp Genetics (formerly Invitae), Labcorp
Classification: Benign. Last evaluated: 2026-02-04. Review status: criteria provided, single submitter. Criteria: Invitae Variant Classification Sherloc (09022015). Collection method: clinical testing. Allele origin: germline.

Blueprint Genetics
Classification: Likely benign. Last evaluated: 2024-11-25. Review status: criteria provided, single submitter. Criteria: ACMG Guidelines, 2015. Collection method: clinical testing. Allele origin: germline.

Mayo Clinic Laboratories, Mayo Clinic
Classification: Benign. Last evaluated: 2024-08-08. Review status: criteria provided, single submitter. Criteria: ACMG Guidelines, 2015. Collection method: clinical testing. Allele origin: germline. Observed: 5 variant alleles.
Comment: BS1, BS2, BP4

CeGaT Center for Human Genetics Tuebingen
Classification: Likely benign. Last evaluated: 2023-12-01. Review status: criteria provided, single submitter. Criteria: CeGaT Center For Human Genetics Tuebingen Variant Classification Criteria Version 2. Collection method: clinical testing. Allele origin: germline. Affected: yes. Observed: 2 variant alleles.
Comment: TNXB: BP4, BS2

Ambry Genetics
Classification: Likely benign for Cardiovascular phenotype. Last evaluated: 2021-07-06. Review status: criteria provided, single submitter. Criteria: Ambry Variant Classification Scheme 2023. Collection method: clinical testing. Allele origin: germline.

Genome Diagnostics Laboratory, The Hospital for Sick Children
Classification: Likely benign for Ehlers-Danlos syndrome. Last evaluated: 2021-04-12. Review status: criteria provided, single submitter. Criteria: ACMG Guidelines, 2015. Collection method: clinical testing. Allele origin: germline.

GeneDx
Classification: Likely benign. Last evaluated: 2020-07-10. Review status: criteria provided, single submitter. Criteria: GeneDx Variant Classification Process June 2021. Collection method: clinical testing. Allele origin: germline. Affected: yes.

PreventionGenetics, part of Exact Sciences
Classification: Likely benign for TNXB-related condition. Last evaluated: 2021-02-02. Review status: no assertion criteria provided. Collection method: clinical testing. Allele origin: germline. Not counted in ClinVar's aggregate classification.
Comment: This variant is classified as likely benign based on ACMG/AMP sequence variant interpretation guidelines (Richards et al. 2015 PMID: 25741868, with internal and published modifications).

Clinical Genetics DNA and cytogenetics Diagnostics Lab, Erasmus MC, Erasmus Medical Center
Classification: Likely benign. Review status: no assertion criteria provided. Collection method: clinical testing. Allele origin: germline. Affected: yes. Study: VKGL Data-share Consensus. Not counted in ClinVar's aggregate classification.

Genome Diagnostics Laboratory, Amsterdam University Medical Center
Classification: Likely benign. Review status: no assertion criteria provided. Collection method: clinical testing. Allele origin: germline. Affected: yes. Study: VKGL Data-share Consensus. Not counted in ClinVar's aggregate classification.